The following is an entry in ClinVar:

ClinVar aggregate classification (germline): Conflicting classifications of pathogenicity. Review status: criteria provided, conflicting classifications (1 of 4 stars). 3 submissions from 3 submitters: Uncertain significance (1); Likely benign (2). Last evaluated 2025-11-01.

Conditions:
Long QT syndrome (LQTS). Identifiers: MedGen C0023976, MeSH D008133, MONDO:0002442. Disease mechanism: loss of function. Inheritance: Various modes of inheritance.

Allele frequency attached by ClinVar (database versions not stated): TOPMed below 0.00001.
gnomAD v4.1: 20 of 1,577,232 alleles (0.0013%); highest among the groups gnomAD compares: Non-Finnish European, 0.0015%; no homozygotes.

Submissions (3):

CeGaT Center for Human Genetics Tuebingen
Classification: Likely benign. Last evaluated: 2025-11-01. Review status: criteria provided, single submitter. Criteria: CeGaT Center For Human Genetics Tuebingen Variant Classification Criteria Version 2. Collection method: clinical testing. Allele origin: germline. Affected: yes. Observed: 1 variant allele.
Comment: CACNA1C: BS1

Labcorp Genetics (formerly Invitae), Labcorp
Classification: Uncertain significance for Long QT syndrome. Last evaluated: 2025-10-12. Review status: criteria provided, single submitter. Criteria: Invitae Variant Classification Sherloc (09022015). Collection method: clinical testing. Allele origin: germline.
Comment: This sequence change replaces phenylalanine, which is neutral and non-polar, with leucine, which is neutral and non-polar, at codon 2029 of the CACNA1C protein (p.Phe2029Leu). This variant is present in population databases (no rsID available, gnomAD 0.001%). This variant has not been reported in the literature in individuals affected with CACNA1C-related conditions. ClinVar contains an entry for this variant (Variation ID: 1464220). Invitae Evidence Modeling of protein sequence and biophysical properties (such as structural, functional, and spatial information, amino acid conservation, physicochemical variation, residue mobility, and thermodynamic stability) indicates that this missense variant is not expected to disrupt CACNA1C protein function with a negative predictive value of 95%. In summary, the available evidence is currently insufficient to determine the role of this variant in disease. Therefore, it has been classified as a Variant of Uncertain Significance.

Molecular Diagnostic Laboratory for Inherited Cardiovascular Disease, Montreal Heart Institute
Classification: Likely benign. Last evaluated: 2025-04-09. Review status: criteria provided, single submitter. Criteria: ACMG Guidelines, 2015. Collection method: clinical testing. Allele origin: germline. Affected: no.
Comment: BS1;BP4

NM_000719.7(CACNA1C):c.6087C>G (p.Phe2029Leu)

Genes: CACNA1C (calcium voltage-gated channel subunit alpha1 C; plus strand), CACNA1C-AS1 (CACNA1C antisense RNA 1; minus strand). Cytogenetic location: 12p13.33.
Variant type: single nucleotide variant.
Coding change: c.6087C>G on transcript NM_000719.7 (MANE Select); coding-DNA position 6087, C replaced by G.
Protein change: p.Phe2029Leu; replaces phenylalanine 2029 with leucine.
Molecular consequence: missense variant.
Genome position (GRCh38, 1-based): chr12:2,688,749, C>G. VCF-style: chr12-2688749-C-G. GRCh37 (hg19) VCF-style: chr12-2797915-C-G.
Other names: c.6231C>G, p.Phe2077Leu (NM_001129827.2); c.6210C>G, p.Phe2070Leu (NM_001129829.2); c.6192C>G, p.Phe2064Leu (NM_001129830.3, NM_001167624.3); c.6171C>G, p.Phe2057Leu (NM_001129831.2); c.6147C>G, p.Phe2049Leu (NM_001129832.2); c.6144C>G, p.Phe2048Leu (NM_001129833.2, NM_001129834.2, NM_001129835.2); c.6138C>G, p.Phe2046Leu (NM_001129836.2); c.6111C>G, p.Phe2037Leu (NM_001129837.2, NM_001129838.2); and 7 more; short protein forms F2035L, F2037L, F2046L, F2057L, F2018L, F2026L, F2029L, F2049L.
Identifiers: ClinVar variation 1464220 (VCV001464220.13), dbSNP rs779215492, ClinGen allele CA383385410.